The following is an entry in ClinVar:

NM_000368.5(TSC1):c.2909A>G (p.Glu970Gly)

Gene: TSC1 (TSC complex subunit 1; minus strand). Cytogenetic location: 9q34.13.
Variant type: single nucleotide variant.
Coding change: c.2909A>G on transcript NM_000368.5 (MANE Select); coding-DNA position 2909, A replaced by G.
Protein change: p.Glu970Gly; replaces glutamic acid 970 with glycine.
Molecular consequence: missense variant.
Genome position (GRCh38, 1-based): chr9:132,897,250, T>C on the plus strand (A>G on the coding strand, the complement: TSC1 is on the minus strand). VCF-style: chr9-132897250-T-C. GRCh37 (hg19) VCF-style: chr9-135772637-T-C.
Other names: c.2909A>G (NM_000368.4); c.2906A>G, p.Glu969Gly (NM_001162426.2); c.2756A>G, p.Glu919Gly (NM_001162427.2); c.2546A>G, p.Glu849Gly (NM_001362177.2); short protein forms E849G, E919G, E969G, E970G.
Identifiers: ClinVar variation 1054539 (VCV001054539.10), dbSNP rs1372477238, ClinGen allele CA375368571.

ClinVar aggregate classification (germline): Uncertain significance. Review status: criteria provided, multiple submitters, no conflicts (2 of 4 stars). 2 submissions from 2 submitters: Uncertain significance (2). Last evaluated 2024-06-28.

Conditions:
Hereditary cancer-predisposing syndrome. Also called: Hereditary Cancer Syndrome; Tumor predisposition; Hereditary neoplastic syndrome; Neoplastic Syndromes, Hereditary. Identifiers: Orphanet 140162, MedGen C0027672, MeSH D009386, MONDO:0015356.
Tuberous sclerosis 1 (TSC1). Identifiers: Orphanet 805, MedGen C1854465, MONDO:0008612, OMIM 191100.

Submissions (2):

Labcorp Genetics (formerly Invitae), Labcorp
Classification: Uncertain significance for Tuberous sclerosis 1. Last evaluated: 2024-06-28. Review status: criteria provided, single submitter. Criteria: Invitae Variant Classification Sherloc (09022015). Collection method: clinical testing. Allele origin: germline.
Comment: This sequence change replaces glutamic acid, which is acidic and polar, with glycine, which is neutral and non-polar, at codon 970 of the TSC1 protein (p.Glu970Gly). The frequency data for this variant in the population databases is considered unreliable, as metrics indicate poor data quality at this position in the gnomAD database. This variant has not been reported in the literature in individuals affected with TSC1-related conditions. ClinVar contains an entry for this variant (Variation ID: 1054539). Advanced modeling of protein sequence and biophysical properties (such as structural, functional, and spatial information, amino acid conservation, physicochemical variation, residue mobility, and thermodynamic stability) performed at Invitae indicates that this missense variant is not expected to disrupt TSC1 protein function with a negative predictive value of 95%. In summary, the available evidence is currently insufficient to determine the role of this variant in disease. Therefore, it has been classified as a Variant of Uncertain Significance.

Ambry Genetics
Classification: Uncertain significance for Hereditary cancer-predisposing syndrome. Last evaluated: 2022-12-27. Review status: criteria provided, single submitter. Criteria: Ambry Variant Classification Scheme 2023. Collection method: clinical testing. Allele origin: germline.
Comment: The p.E970G variant (also known as c.2909A>G), located in coding exon 20 of the TSC1 gene, results from an A to G substitution at nucleotide position 2909. The glutamic acid at codon 970 is replaced by glycine, an amino acid with similar properties. This amino acid position is conserved. In addition, this alteration is predicted to be deleterious by in silico analysis. Since supporting evidence is limited at this time, the clinical significance of this alteration remains unclear.